The following is an entry in ClinVar:

ClinVar aggregate classification (germline): Uncertain significance (1 of 4 stars; one submission).

Conditions:
Charcot-Marie-Tooth disease type 2. Also called: Charcot-Marie-Tooth type 2. Identifiers: Orphanet 64746, MedGen C0270914, MONDO:0018993.

Submission:

Labcorp Genetics (formerly Invitae), Labcorp
Classification: Uncertain significance for Charcot-Marie-Tooth disease type 2. Last evaluated: 2023-08-31. Review status: criteria provided, single submitter. Criteria: Invitae Variant Classification Sherloc (09022015). Collection method: clinical testing. Allele origin: germline.
Comment: This sequence change replaces valine, which is neutral and non-polar, with phenylalanine, which is neutral and non-polar, at codon 905 of the AARS protein (p.Val905Phe). This variant is not present in population databases (gnomAD no frequency). This variant has not been reported in the literature in individuals affected with AARS-related conditions. Advanced modeling of protein sequence and biophysical properties (such as structural, functional, and spatial information, amino acid conservation, physicochemical variation, residue mobility, and thermodynamic stability) has been performed at Invitae for this missense variant, however the output from this modeling did not meet the statistical confidence thresholds required to predict the impact of this variant on AARS protein function. In summary, the available evidence is currently insufficient to determine the role of this variant in disease. Therefore, it has been classified as a Variant of Uncertain Significance.

NM_001605.3(AARS1):c.2713G>T (p.Val905Phe)

Gene: AARS1 (alanyl-tRNA synthetase 1; minus strand). Cytogenetic location: 16q22.1.
Variant type: single nucleotide variant.
Coding change: c.2713G>T on transcript NM_001605.3 (MANE Select); coding-DNA position 2713, G replaced by T.
Protein change: p.Val905Phe; replaces valine 905 with phenylalanine.
Molecular consequence: missense variant.
Genome position (GRCh38, 1-based): chr16:70,253,276, C>A on the plus strand (G>T on the coding strand, the complement: AARS1 is on the minus strand). VCF-style: chr16-70253276-C-A. GRCh37 (hg19) VCF-style: chr16-70287179-C-A.
Other names: short protein forms V905F.
Identifiers: ClinVar variation 2756864 (VCV002756864.3), dbSNP rs2506987928, ClinGen allele CA396554601.
Genomic context (GRCh38, chr16:70,253,276, plus strand): 5'-AGCCAACAACCTTAAGACCTAACACTTCCCACTGGTGCGAGGTGGTGCTGACCTGGGGAA[C>A]TTGACACAGGCACGTGATCTTGCCAGCCTCATTGTCCACCGTGAAGAGCATGGCAGAAGT-3'
Protein context (NP_001596.2, residues 895-915): EAGKITCLCQ[Val905Phe]PQNAANRGLK